The following is an entry in ClinVar:

NM_007294.4(BRCA1):c.5443T>A (p.Trp1815Arg)

Gene: BRCA1 (BRCA1 DNA repair associated; minus strand). Cytogenetic location: 17q21.31.
Variant type: single nucleotide variant.
Coding change: c.5443T>A on transcript NM_007294.4 (MANE Select); coding-DNA position 5443, T replaced by A.
Protein change: p.Trp1815Arg; replaces tryptophan 1815 with arginine.
Molecular consequence: missense variant. On other transcripts: non-coding transcript variant (1).
Genome position (GRCh38, 1-based): chr17:43,047,667, A>T on the plus strand (T>A on the coding strand, the complement: BRCA1 is on the minus strand). VCF-style: chr17-43047667-A-T. GRCh37 (hg19) VCF-style: chr17-41199684-A-T.
Other names: c.5296T>A, p.Trp1766Arg (NM_001407851.1, NM_001407852.1, NM_001407853.1 and 12 more transcripts); c.5369T>A, p.Leu1790Gln (NM_001407854.1); c.5366T>A, p.Leu1789Gln (NM_001407858.1, NM_001407859.1, NM_001407860.1); c.5363T>A, p.Leu1788Gln (NM_001407861.1); c.5242T>A, p.Trp1748Arg (NM_001407862.1); c.5239T>A, p.Trp1747Arg (NM_001407863.1); c.5509T>A, p.Trp1837Arg (NM_001407582.1, NM_001407581.1); c.5506T>A, p.Trp1836Arg (NM_001407583.1, NM_001407585.1, NM_001407587.1 and 1 more transcripts); and 83 more; short protein forms W1815R, W1836R, W1768R, L686Q, W711R, L1743Q, L1748Q, L1788Q.
Identifiers: ClinVar variation 868496 (VCV000868496.3), dbSNP rs2050983659, ClinGen allele CA10590525.
Genomic context (GRCh38, chr17:43,047,667, plus strand): 5'-GACCCCATATAGCACAGGTACATGCAGGCACCTTACCATGGAAGCCATTGTCCTCTGTCC[A>T]GGCATCTGGCTGCACAACCACAATTGGGTGGACACCCTGGATCCCCAGGAAGGAAAGAGC-3'
Protein context (NP_009225.1, residues 1805-1825): HPIVVVQPDA[Trp1815Arg]TEDNGFHAIG

Conditions:
Breast-ovarian cancer, familial, susceptibility to, 1 (BROVCA1). Also called: BRCA1 Hereditary Breast and Ovarian Cancer; OVARIAN CANCER, SUSCEPTIBILITY TO. Identifiers: Orphanet 145, MedGen C2676676, MONDO:0011450, OMIM 604370. Disease mechanism: loss of function.

Submission:

Brotman Baty Institute, University of Washington
No classification provided (evidence only). Condition: Breast-ovarian cancer, familial 1. Review status: no classification provided. Collection method: in vitro. Allele origin: not applicable. Functional consequence: functionally_normal.
ClinVar note: "not provided" was previously submitted as the classification for the variant. However, the classification appeared to be based only on an observation of functional data so it was converted to no classification on 2025-07-30.